The following is an entry in ClinVar:

NM_006231.4(POLE):c.133G>A (p.Asp45Asn)

Gene: POLE (DNA polymerase epsilon, catalytic subunit; minus strand). Cytogenetic location: 12q24.33.
Variant type: single nucleotide variant.
Coding change: c.133G>A on transcript NM_006231.4 (MANE Select); coding-DNA position 133, G replaced by A.
Protein change: p.Asp45Asn; replaces aspartic acid 45 with asparagine.
Molecular consequence: missense variant.
Genome position (GRCh38, 1-based): chr12:132,681,209, C>T on the plus strand (G>A on the coding strand, the complement: POLE is on the minus strand). VCF-style: chr12-132681209-C-T. GRCh37 (hg19) VCF-style: chr12-133257795-C-T.
Other names: short protein forms D45N.
Identifiers: ClinVar variation 1770325 (VCV001770325.3), dbSNP rs2043160358, ClinGen allele CA387370120.

ClinVar aggregate classification (germline): Uncertain significance (1 of 4 stars; one submission).

Conditions:
Hereditary cancer-predisposing syndrome. Also called: Hereditary Cancer Syndrome; Hereditary neoplastic syndrome; Neoplastic Syndromes, Hereditary; Tumor predisposition. Identifiers: Orphanet 140162, MedGen C0027672, MeSH D009386, MONDO:0015356.

Submission:

Ambry Genetics
Classification: Uncertain significance for Hereditary cancer-predisposing syndrome. Last evaluated: 2025-09-12. Review status: criteria provided, single submitter. Criteria: Ambry Variant Classification Scheme 2023. Collection method: clinical testing. Allele origin: germline.
Comment: The p.D45N variant (also known as c.133G>A), located in coding exon 2 of the POLE gene, results from a G to A substitution at nucleotide position 133. The aspartic acid at codon 45 is replaced by asparagine, an amino acid with highly similar properties. This amino acid position is conserved. In addition, this alteration is predicted to be tolerated by in silico analysis. Since supporting evidence is limited at this time, the clinical significance of this alteration remains unclear.